The following is an entry in ClinVar:

ClinVar aggregate classification (germline): Uncertain significance (1 of 4 stars; one submission).

Conditions:
Baller-Gerold syndrome (BGS). Also called: CRANIOSYNOSTOSIS WITH RADIAL DEFECTS. Identifiers: Orphanet 1225, MedGen C0265308, MONDO:0009039, OMIM 218600.

Submission:

Labcorp Genetics (formerly Invitae), Labcorp
Classification: Uncertain significance for Baller-Gerold syndrome. Last evaluated: 2024-03-29. Review status: criteria provided, single submitter. Criteria: Invitae Variant Classification Sherloc (09022015). Collection method: clinical testing. Allele origin: germline.
Comment: This sequence change falls in intron 1 of the RECQL4 gene. It does not directly change the encoded amino acid sequence of the RECQL4 protein. This variant is not present in population databases (gnomAD no frequency). This variant has not been reported in the literature in individuals affected with RECQL4-related conditions. Algorithms developed to predict the effect of sequence changes on RNA splicing suggest that this variant may disrupt the consensus splice site. In summary, the available evidence is currently insufficient to determine the role of this variant in disease. Therefore, it has been classified as a Variant of Uncertain Significance.

NM_004260.4(RECQL4):c.84+20_84+27del

Genes: RECQL4 (RecQ like helicase 4; minus strand), LOC130001411 (ATAC-STARR-seq lymphoblastoid silent region 19699; plus strand). Cytogenetic location: 8q24.3.
Variant type: Deletion.
Coding change: c.84+20_84+27del on transcript NM_004260.4 (MANE Select); bases 20 to 27 of the intron after coding-DNA position 84, 8 bases deleted (CGAGGGGC; older notation c.84+20_84+27delCGAGGGGC).
Molecular consequence: intron variant. On other transcripts: 5 prime UTR variant (14).
Genome position (GRCh38, 1-based): chr8:144,517,674-144,517,681, GCCCCTCG deleted on the plus strand (CGAGGGGC on the coding strand, the reverse complement: RECQL4 is on the minus strand); deleting any 8 consecutive bases within chr8:144,517,674-144,517,687 gives the same sequence; the c. name uses the placement nearest the transcript's 3' end. VCF-style (leftmost placement, unchanged base first): chr8-144517673-AGCCCCTCG-A. GRCh37 (hg19) VCF-style: chr8-145743057-AGCCCCTCG-A.
Other names: c.-682_-675del (NM_001413021.1); c.-1033_-1026del (NM_001413022.1, NM_001413023.1, NM_001413037.1 and 2 more transcripts); c.-930_-923del (NM_001413024.1); c.-758_-751del (NM_001413028.1); c.-1095_-1088del (NM_001413030.1, NM_001413031.1, NM_001413041.1); c.-937_-930del (NM_001413034.1); c.-938_-931del (NM_001413040.1); c.-1302_-1295del (NM_001413043.1); and 4 more.
Identifiers: ClinVar variation 3674349 (VCV003674349.2).